The following is an entry in ClinVar:

ClinVar aggregate classification (germline): Uncertain significance (1 of 4 stars; one submission).

Submission:

GeneDx
Classification: Uncertain significance. Last evaluated: 2022-03-10. Review status: criteria provided, single submitter. Criteria: GeneDx Variant Classification Process June 2021. Collection method: clinical testing. Allele origin: germline. Affected: yes.
Comment: Not observed at significant frequency in large population cohorts (gnomAD); In silico analysis supports that this missense variant has a deleterious effect on protein structure/function; Has not been previously published as pathogenic or benign to our knowledge

NM_001394062.1(MACF1):c.14383A>G (p.Thr4795Ala)

Gene: MACF1 (microtubule actin crosslinking factor 1; plus strand). Cytogenetic location: 1p34.3.
Variant type: single nucleotide variant.
Coding change: c.14383A>G on transcript NM_001394062.1 (MANE Select); coding-DNA position 14383, A replaced by G.
Protein change: p.Thr4795Ala; replaces threonine 4795 with alanine.
Molecular consequence: missense variant.
Genome position (GRCh38, 1-based): chr1:39,387,225, A>G. VCF-style: chr1-39387225-A-G. GRCh37 (hg19) VCF-style: chr1-39852897-A-G.
Other names: c.8197A>G, p.Thr2733Ala (NM_012090.5); short protein forms T2733A, T4795A.
Identifiers: ClinVar variation 1704752 (VCV001704752.2), dbSNP rs2522636370, ClinGen allele CA339738544.